The following is an entry in ClinVar:

ClinVar aggregate classification (germline): Uncertain significance (1 of 4 stars; one submission).

gnomAD v4.1: 32 of 1,590,382 alleles (0.002%); highest among the groups gnomAD compares: Non-Finnish European, 0.0027%; no homozygotes.

Submission:

Mayo Clinic Laboratories, Mayo Clinic
Classification: Uncertain significance. Last evaluated: 2024-02-05. Review status: criteria provided, single submitter. Criteria: ACMG Guidelines, 2015. Collection method: clinical testing. Allele origin: germline. Observed: 1 variant allele.
Comment: PM1_supporting, PM2_moderate

NM_138272.3(MPIG6B):c.94A>C (p.Asn32His)

Gene: MPIG6B (megakaryocyte and platelet inhibitory receptor G6b; plus strand). Cytogenetic location: 6p21.33.
Variant type: single nucleotide variant.
Coding change: c.94A>C on transcript NM_138272.3 (MANE Select); coding-DNA position 94, A replaced by C.
Protein change: p.Asn32His; replaces asparagine 32 with histidine.
Molecular consequence: missense variant.
Genome position (GRCh38, 1-based): chr6:31,723,671, A>C. VCF-style: chr6-31723671-A-C. GRCh37 (hg19) VCF-style: chr6-31691448-A-C.
Other names: p.Asn32His; c.94A>C, p.Asn32His (NM_025260.4, NM_138273.3, NM_138274.3 and 2 more transcripts); short protein forms N32H.
Identifiers: ClinVar variation 3379642 (VCV003379642.1).